The following is an entry in ClinVar:

ClinVar aggregate classification (germline): Likely benign. Review status: criteria provided, multiple submitters, no conflicts (2 of 4 stars). 5 submissions from 5 submitters: Likely benign (5). Last evaluated 2026-01-21.

Conditions:
Familial adenomatous polyposis 1 (FAP1). Also called: FAMILIAL ADENOMATOUS POLYPOSIS 1, ATTENUATED; POLYPOSIS, ADENOMATOUS INTESTINAL. Identifiers: MedGen C2713442, MONDO:0021056, OMIM 175100. Disease mechanism: loss of function.
Hereditary cancer-predisposing syndrome. Also called: Tumor predisposition; Neoplastic Syndromes, Hereditary; Hereditary neoplastic syndrome; Hereditary Cancer Syndrome. Identifiers: Orphanet 140162, MedGen C0027672, MeSH D009386, MONDO:0015356.

Allele frequency attached by ClinVar (database versions not stated): gnomAD exomes below 0.00001 and 0.00002; TOPMed 0.00002; gnomAD 0.00003.
gnomAD v4.1: 26 of 1,605,810 alleles (0.0016%); highest among the groups gnomAD compares: Admixed American, 0.0033%; no homozygotes.

Submissions (5):

Labcorp Genetics (formerly Invitae), Labcorp
Classification: Likely benign for Familial adenomatous polyposis 1. Last evaluated: 2026-01-21. Review status: criteria provided, single submitter. Criteria: Invitae Variant Classification Sherloc (09022015). Collection method: clinical testing. Allele origin: germline.

Myriad Genetics, Inc.
Classification: Likely benign for Familial adenomatous polyposis 1. Last evaluated: 2024-03-05. Review status: criteria provided, single submitter. Criteria: Myriad Autosomal Dominant, Autosomal Recessive and X-Linked Classification Criteria (2023). Collection method: clinical testing. Allele origin: unknown.
Comment: This variant is considered likely benign. This variant is intronic and is not expected to impact mRNA splicing.

Blueprint Genetics
Classification: Likely benign. Last evaluated: 2023-03-13. Review status: criteria provided, single submitter. Criteria: ACMG Guidelines, 2015. Collection method: clinical testing. Allele origin: germline.

GeneDx
Classification: Likely benign. Last evaluated: 2017-09-15. Review status: criteria provided, single submitter. Criteria: GeneDx Variant Classification (06012015). Collection method: clinical testing. Allele origin: germline. Affected: yes.
Comment: This variant is considered likely benign or benign based on one or more of the following criteria: it is a conservative change, it occurs at a poorly conserved position in the protein, it is predicted to be benign by multiple in silico algorithms, and/or has population frequency not consistent with disease.

Color Diagnostics, LLC DBA Color Health
Classification: Likely benign for Hereditary cancer-predisposing syndrome. Last evaluated: 2016-12-04. Review status: criteria provided, single submitter. Criteria: ACMG Guidelines, 2015. Collection method: clinical testing. Allele origin: germline.

NM_000038.6(APC):c.1549-17C>T

Gene: APC (APC regulator of Wnt signaling pathway; plus strand). Cytogenetic location: 5q22.2.
Variant type: single nucleotide variant.
Coding change: c.1549-17C>T on transcript NM_000038.6 (MANE Select); 17 bases into the intron before coding-DNA position 1549, C replaced by T.
Molecular consequence: intron variant.
Genome position (GRCh38, 1-based): chr5:112,827,912, C>T. VCF-style: chr5-112827912-C-T. GRCh37 (hg19) VCF-style: chr5-112163609-C-T.
Other names: c.1549-17C>T (NM_001354895.2, NM_001127510.3); c.1579-17C>T (NM_001354897.2); c.1276-17C>T (NM_001354902.2); c.1495-17C>T (NM_001127511.3); c.1474-17C>T (NM_001354898.2); c.1171-17C>T (NM_001354904.2); c.700-17C>T (NM_001354906.2); c.1603-17C>T (NM_001354896.2); and 5 more.
Identifiers: ClinVar variation 389085 (VCV000389085.13), dbSNP rs1047599759, ClinGen allele CA16604651.